The following is an entry in ClinVar:

NM_032656.4(DHX37):c.311A>G (p.Gln104Arg)

Gene: DHX37 (DEAH-box helicase 37; minus strand). Cytogenetic location: 12q24.31.
Variant type: single nucleotide variant.
Coding change: c.311A>G on transcript NM_032656.4 (MANE Select); coding-DNA position 311, A replaced by G.
Protein change: p.Gln104Arg; replaces glutamine 104 with arginine.
Molecular consequence: missense variant.
Genome position (GRCh38, 1-based): chr12:124,982,589, T>C on the plus strand (A>G on the coding strand, the complement: DHX37 is on the minus strand). VCF-style: chr12-124982589-T-C. GRCh37 (hg19) VCF-style: chr12-125467135-T-C.
Other names: c.311A>G (NM_032656.3); short protein forms Q104R.
Identifiers: ClinVar variation 2889057 (VCV002889057.4), dbSNP rs372216152, ClinGen allele CA6872479.

ClinVar aggregate classification (germline): Uncertain significance. Review status: criteria provided, multiple submitters, no conflicts (2 of 4 stars). 2 submissions from 2 submitters: Uncertain significance (2). Last evaluated 2024-10-28.

Conditions:
Inborn genetic diseases. Identifiers: MedGen C0950123, MeSH D030342.

Allele frequency attached by ClinVar (database versions not stated): gnomAD 0.00001; TOPMed 0.00001; ExAC 0.00002; gnomAD exomes 0.00005; ESP Exome Variant Server 0.00008.
gnomAD v4.1: 68 of 1,613,470 alleles (0.0042%); highest among the groups gnomAD compares: Non-Finnish European, 0.0055%; no homozygotes.

Submissions (2):

Labcorp Genetics (formerly Invitae), Labcorp
Classification: Uncertain significance. Last evaluated: 2024-10-28. Review status: criteria provided, single submitter. Criteria: Invitae Variant Classification Sherloc (09022015). Collection method: clinical testing. Allele origin: germline.
Comment: This sequence change replaces glutamine, which is neutral and polar, with arginine, which is basic and polar, at codon 104 of the DHX37 protein (p.Gln104Arg). This variant is present in population databases (rs372216152, gnomAD 0.004%). This variant has not been reported in the literature in individuals affected with DHX37-related conditions. An algorithm developed to predict the effect of missense changes on protein structure and function (PolyPhen-2) suggests that this variant is likely to be tolerated. In summary, the available evidence is currently insufficient to determine the role of this variant in disease. Therefore, it has been classified as a Variant of Uncertain Significance.

Ambry Genetics
Classification: Uncertain significance for Inborn genetic diseases. Last evaluated: 2024-07-16. Review status: criteria provided, single submitter. Criteria: Ambry Variant Classification Scheme 2023. Collection method: clinical testing. Allele origin: germline.